The following is an entry in ClinVar:

NM_005477.3(HCN4):c.2107T>C (p.Phe703Leu)

Gene: HCN4 (hyperpolarization activated cyclic nucleotide gated potassium channel 4; minus strand). Cytogenetic location: 15q24.1.
Variant type: single nucleotide variant.
Coding change: c.2107T>C on transcript NM_005477.3 (MANE Select); coding-DNA position 2107, T replaced by C.
Protein change: p.Phe703Leu; replaces phenylalanine 703 with leucine.
Molecular consequence: missense variant.
Genome position (GRCh38, 1-based): chr15:73,324,125, A>G on the plus strand (T>C on the coding strand, the complement: HCN4 is on the minus strand). VCF-style: chr15-73324125-A-G. GRCh37 (hg19) VCF-style: chr15-73616466-A-G.
Other names: short protein forms F703L.
Identifiers: ClinVar variation 2823404 (VCV002823404.3), dbSNP rs2549069431, ClinGen allele CA393089956.

ClinVar aggregate classification (germline): Uncertain significance (1 of 4 stars; one submission).

Conditions:
Brugada syndrome 8 (BRGDA8). Identifiers: Orphanet 130, MedGen C2751083, MONDO:0013148, OMIM 613123.

Submission:

Labcorp Genetics (formerly Invitae), Labcorp
Classification: Uncertain significance for Brugada syndrome 8. Last evaluated: 2023-02-02. Review status: criteria provided, single submitter. Criteria: Invitae Variant Classification Sherloc (09022015). Collection method: clinical testing. Allele origin: germline.
Comment: This sequence change replaces phenylalanine, which is neutral and non-polar, with leucine, which is neutral and non-polar, at codon 703 of the HCN4 protein (p.Phe703Leu). This variant is not present in population databases (gnomAD no frequency). This variant has not been reported in the literature in individuals affected with HCN4-related conditions. Advanced modeling of protein sequence and biophysical properties (such as structural, functional, and spatial information, amino acid conservation, physicochemical variation, residue mobility, and thermodynamic stability) performed at Invitae indicates that this missense variant is not expected to disrupt HCN4 protein function. In summary, the available evidence is currently insufficient to determine the role of this variant in disease. Therefore, it has been classified as a Variant of Uncertain Significance.